The following is an entry in ClinVar:

ClinVar aggregate classification (germline): Conflicting classifications of pathogenicity. Review status: criteria provided, conflicting classifications (1 of 4 stars). 2 submissions from 2 submitters: Uncertain significance (1); Likely benign (1). Last evaluated 2026-01-21.

Conditions:
Brain small vessel disease 2A, autosomal dominant. Also called: Porencephaly 2. Identifiers: Orphanet 2940, Orphanet 99810, MedGen C3280970, MONDO:0013773, OMIM 614483.

Allele frequency attached by ClinVar (database versions not stated): ExAC 0.00006; TOPMed 0.00006; gnomAD 0.00008; 1000 Genomes Project 30x 0.00016; 1000 Genomes Project 0.00020.
gnomAD v4.1: 219 of 1,612,482 alleles (0.014%); highest among the groups gnomAD compares: Non-Finnish European, 0.018%; no homozygotes.

Submissions (2):

Labcorp Genetics (formerly Invitae), Labcorp
Classification: Uncertain significance. Last evaluated: 2026-01-21. Review status: criteria provided, single submitter. Criteria: Invitae Variant Classification Sherloc (09022015). Collection method: clinical testing. Allele origin: germline.
Comment: This sequence change falls in intron 44 of the COL4A2 gene. It does not directly change the encoded amino acid sequence of the COL4A2 protein. This variant is present in population databases (rs553663121, gnomAD 0.009%). This variant has not been reported in the literature in individuals affected with COL4A2-related conditions. ClinVar contains an entry for this variant (Variation ID: 883647). Algorithms developed to predict the effect of sequence changes on RNA splicing suggest that this variant may disrupt the consensus splice site. In summary, the available evidence is currently insufficient to determine the role of this variant in disease. Therefore, it has been classified as a Variant of Uncertain Significance.

Illumina Laboratory Services, Illumina
Classification: Likely benign for Brain small vessel disease 2A, autosomal dominant. Last evaluated: 2018-01-13. Review status: criteria provided, single submitter. Criteria: ICSL Variant Classification Criteria 13 December 2019. Collection method: clinical testing. Allele origin: germline.
Comment: This variant was observed in the ICSL laboratory as part of a predisposition screen in an ostensibly healthy population. It had not been previously curated by ICSL or reported in the Human Gene Mutation Database (HGMD: prior to June 1st, 2018), and was therefore a candidate for classification through an automated scoring system. Utilizing variant allele frequency, disease prevalence and penetrance estimates, and inheritance mode, an automated score was calculated to assess if this variant is too frequent to cause the disease. Based on the score and internal cut-off values, a variant classified as likely benign is not then subjected to further curation. The score for this variant resulted in a classification of likely benign for this disease.

NM_001846.4(COL4A2):c.4286-12G>A

Genes: COL4A2 (collagen type IV alpha 2 chain; plus strand), COL4A2-AS1 (COL4A2 antisense RNA 1; minus strand). Cytogenetic location: 13q34.
Variant type: single nucleotide variant.
Coding change: c.4286-12G>A on transcript NM_001846.4 (MANE Select); 12 bases into the intron before coding-DNA position 4286, G replaced by A.
Molecular consequence: intron variant.
Genome position (GRCh38, 1-based): chr13:110,504,136, G>A. VCF-style: chr13-110504136-G-A. GRCh37 (hg19) VCF-style: chr13-111156483-G-A.
Identifiers: ClinVar variation 883647 (VCV000883647.7), dbSNP rs553663121, ClinGen allele CA7050488.